The following is an entry in ClinVar:

NM_000263.4(NAGLU):c.392A>G (p.Tyr131Cys)

Gene: NAGLU (N-acetyl-alpha-glucosaminidase; plus strand). Cytogenetic location: 17q21.2.
Variant type: single nucleotide variant.
Coding change: c.392A>G on transcript NM_000263.4 (MANE Select); coding-DNA position 392, A replaced by G.
Protein change: p.Tyr131Cys; replaces tyrosine 131 with cysteine.
Molecular consequence: missense variant.
Genome position (GRCh38, 1-based): chr17:42,537,406, A>G. VCF-style: chr17-42537406-A-G. GRCh37 (hg19) VCF-style: chr17-40689424-A-G.
Other names: short protein forms Y131C.
Identifiers: ClinVar variation 1379584 (VCV001379584.8), dbSNP rs762337946, ClinGen allele CA399597925.

ClinVar aggregate classification (germline): Uncertain significance. Review status: criteria provided, multiple submitters, no conflicts (2 of 4 stars). 2 submissions from 2 submitters: Uncertain significance (2). Last evaluated 2024-12-16.

Conditions:
Charcot-Marie-Tooth disease axonal type 2V. Also called: CHARCOT-MARIE-TOOTH NEUROPATHY, TYPE 2V; CHARCOT-MARIE-TOOTH DISEASE, AXONAL, AUTOSOMAL DOMINANT, TYPE 2V. Identifiers: Orphanet 447964, MedGen C5569050, MONDO:0014665, OMIM 616491.
Mucopolysaccharidosis, MPS-III-B (MPS3B). Also called: MPS IIIB (Sanfilippo Syndrome Type B); N-ACETYL-ALPHA-D-GLUCOSAMINIDASE DEFICIENCY; NAGLU DEFICIENCY; MUCOPOLYSACCHARIDOSIS, TYPE IIIB; Mucopolysaccharidosis type IIIB (Sanfilippo B); SANFILIPPO SYNDROME B. Identifiers: Orphanet 79270, MedGen C0086648, MONDO:0009656, OMIM 252920.

gnomAD v4.1: 1 of 1,614,154 alleles (0.000062%); highest among the groups gnomAD compares: Non-Finnish European, 0.000085%; no homozygotes.

Submissions (2):

Labcorp Genetics (formerly Invitae), Labcorp
Classification: Uncertain significance for Charcot-Marie-Tooth disease axonal type 2V; Mucopolysaccharidosis, MPS-III-B. Last evaluated: 2024-12-16. Review status: criteria provided, single submitter. Criteria: Invitae Variant Classification Sherloc (09022015). Collection method: clinical testing. Allele origin: germline.
Comment: This sequence change replaces tyrosine, which is neutral and polar, with cysteine, which is neutral and slightly polar, at codon 131 of the NAGLU protein (p.Tyr131Cys). This variant is not present in population databases (gnomAD no frequency). This missense change has been observed in individual(s) with mucopolysaccharidosis type IIIB (PMID: 34813777). ClinVar contains an entry for this variant (Variation ID: 1379584). Invitae Evidence Modeling of protein sequence and biophysical properties (such as structural, functional, and spatial information, amino acid conservation, physicochemical variation, residue mobility, and thermodynamic stability) indicates that this missense variant is expected to disrupt NAGLU protein function with a positive predictive value of 95%. In summary, the available evidence is currently insufficient to determine the role of this variant in disease. Therefore, it has been classified as a Variant of Uncertain Significance.

Women's Health and Genetics/Laboratory Corporation of America, LabCorp
Classification: Uncertain significance. Last evaluated: 2024-04-12. Review status: criteria provided, single submitter. Criteria: LabCorp Variant Classification Summary - May 2015. Collection method: clinical testing. Allele origin: germline.
Comment: Variant summary: NAGLU c.392A>G (p.Tyr131Cys) results in a non-conservative amino acid change located in the Alpha-N-acetylglucosaminidase, tim-barrel domain (IPR024733) of the encoded protein sequence. Five of five in-silico tools predict a damaging effect of the variant on protein function. The variant was absent in 251430 control chromosomes (gnomAD). The available data on variant occurrences in the general population are insufficient to allow any conclusion about variant significance. c.392A>G has been reported in the literature in an individual affected with Mucopolysaccharidosis Type IIIB (Sanfilippo Syndrome B; Fang_2022). These data do not allow any conclusion about variant significance. To our knowledge, no experimental evidence demonstrating an impact on protein function has been reported. The following publication has been ascertained in the context of this evaluation (PMID: 34813777). ClinVar contains an entry for this variant (Variation ID: 1379584). Based on the evidence outlined above, the variant was classified as uncertain significance.

Literature cited by the submitters: PubMed 34813777 (cited by Labcorp Genetics (formerly Invitae), Labcorp and Women's Health and Genetics/Laboratory Corporation of America, LabCorp).